The following is an entry in ClinVar:

ClinVar aggregate classification (germline): Uncertain significance (1 of 4 stars; one submission).

Conditions:
Inborn genetic diseases. Identifiers: MedGen C0950123, MeSH D030342.

Submission:

Ambry Genetics
Classification: Uncertain significance for Inborn genetic diseases. Last evaluated: 2022-08-02. Review status: criteria provided, single submitter. Criteria: Ambry Variant Classification Scheme 2023. Collection method: clinical testing. Allele origin: germline.
Comment: The c.4326C>A (p.D1442E) alteration is located in exon 21 (coding exon 19) of the RERE gene. This alteration results from a C to A substitution at nucleotide position 4326, causing the aspartic acid (D) at amino acid position 1442 to be replaced by a glutamic acid (E). This variant was not reported in population-based cohorts in the Genome Aggregation Database (gnomAD). This amino acid position is highly conserved in available vertebrate species. This alteration is predicted to be tolerated by in silico analysis. Based on insufficient or conflicting evidence, the clinical significance of this alteration remains unclear.

NM_001042681.2(RERE):c.4326C>A (p.Asp1442Glu)

Gene: RERE (arginine-glutamic acid dipeptide repeats; minus strand). Cytogenetic location: 1p36.23.
Variant type: single nucleotide variant.
Coding change: c.4326C>A on transcript NM_001042681.2 (MANE Select); coding-DNA position 4326, C replaced by A.
Protein change: p.Asp1442Glu; replaces aspartic acid 1442 with glutamic acid.
Molecular consequence: missense variant.
Genome position (GRCh38, 1-based): chr1:8,358,209, G>T on the plus strand (C>A on the coding strand, the complement: RERE is on the minus strand). VCF-style: chr1-8358209-G-T. GRCh37 (hg19) VCF-style: chr1-8418269-G-T.
Other names: c.2664C>A, p.Asp888Glu (NM_001042682.2); c.4326C>A, p.Asp1442Glu (NM_012102.4); short protein forms D1442E, D888E.
Identifiers: ClinVar variation 985689 (VCV000985689.4), dbSNP rs1312955446, ClinGen allele CA338168728.